The following is an entry in ClinVar:

NM_006514.4(SCN10A):c.1827G>T (p.Arg609Ser)

Gene: SCN10A (sodium voltage-gated channel alpha subunit 10; minus strand). Cytogenetic location: 3p22.2.
Variant type: single nucleotide variant.
Coding change: c.1827G>T on transcript NM_006514.4 (MANE Select); coding-DNA position 1827, G replaced by T.
Protein change: p.Arg609Ser; replaces arginine 609 with serine.
Molecular consequence: missense variant.
Genome position (GRCh38, 1-based): chr3:38,750,113, C>A on the plus strand (G>T on the coding strand, the complement: SCN10A is on the minus strand). VCF-style: chr3-38750113-C-A. GRCh37 (hg19) VCF-style: chr3-38791604-C-A.
Other names: c.1827G>T, p.Arg609Ser (NM_001293306.2); c.1533G>T, p.Arg511Ser (NM_001293307.2); short protein forms R511S, R609S.
Identifiers: ClinVar variation 3634368 (VCV003634368.2).

ClinVar aggregate classification (germline): Uncertain significance (1 of 4 stars; one submission).

Conditions:
Brugada syndrome. Also called: Sudden unexpected nocturnal death syndrome; Sudden Unexplained Death Syndrome; Sudden Unexplained Nocturnal Death Syndrome (SUNDS); Sudden unexplained nocturnal death syndrome. Identifiers: Orphanet 130, MedGen C1142166, MONDO:0015263.

gnomAD v4.1: 9 of 1,612,888 alleles (0.00056%); highest among the groups gnomAD compares: Non-Finnish European, 0.00068%; no homozygotes.

Submission:

Labcorp Genetics (formerly Invitae), Labcorp
Classification: Uncertain significance for Brugada syndrome. Last evaluated: 2024-08-28. Review status: criteria provided, single submitter. Criteria: Invitae Variant Classification Sherloc (09022015). Collection method: clinical testing. Allele origin: germline.
Comment: This sequence change replaces arginine, which is basic and polar, with serine, which is neutral and polar, at codon 609 of the SCN10A protein (p.Arg609Ser). This variant is present in population databases (no rsID available, gnomAD 0.0009%). This variant has not been reported in the literature in individuals affected with SCN10A-related conditions. Invitae Evidence Modeling of protein sequence and biophysical properties (such as structural, functional, and spatial information, amino acid conservation, physicochemical variation, residue mobility, and thermodynamic stability) indicates that this missense variant is not expected to disrupt SCN10A protein function with a negative predictive value of 80%. In summary, the available evidence is currently insufficient to determine the role of this variant in disease. Therefore, it has been classified as a Variant of Uncertain Significance.